The following is an entry in ClinVar:

ClinVar aggregate classification (germline): Pathogenic/Likely pathogenic. Review status: criteria provided, multiple submitters, no conflicts (2 of 4 stars). 3 submissions from 2 submitters: Pathogenic (1); Likely pathogenic (1). 1 of the submissions does not count toward it. Last evaluated 2022-12-17.

Conditions:
Retinitis pigmentosa 27 (RP27). Identifiers: Orphanet 791, MedGen C1834329, MONDO:0013402, OMIM 613750.

Submissions (3):

Dubai Health Genomic Medicine Center, Dubai Health
Classification: Pathogenic. Last evaluated: 2022-12-17. Review status: criteria provided, single submitter. Criteria: ACMG Guidelines, 2015. Collection method: clinical testing. Allele origin: germline. Affected: yes.

Department of Genetics, Sultan Qaboos University Hospital
Classification: Likely pathogenic for Retinitis pigmentosa 27. Last evaluated: 2017-12-30. Review status: criteria provided, single submitter. Criteria: ACMG Guidelines, 2015. Collection method: curation. Allele origin: unknown. Affected: yes.

Dubai Health Genomic Medicine Center, Dubai Health
Classification: Pathogenic for Retinitis pigmentosa 27. Last evaluated: 2020-09-09. Review status: flagged submission. Criteria: ACMG Guidelines, 2015. Collection method: clinical testing. Allele origin: germline. Affected: yes. Not counted in ClinVar's aggregate classification.
Comment: The p.Tyr113*variant in NRL has been previously reported in the homozygous state in at least one family with Enhanced S-Cone syndrome (PMID: 28005958) and was reported as likely pathogenic by another clinical laboratory (ClinVar ID: 623368). This variant was absent from large population studies such as the Genome Aggregation Database (gnomAD) and the Greater Middle East (GME) variome database. This nonsense variant leads to a premature termination codon at position 113 which is then predicted to lead to a truncated or absent protein. In summary this variant meets our criteria to be classified as pathogenic.
ClinVar note: Reason: This record appears to be redundant with a more recent record from the same submitter.
ClinVar note: Notes: SCV001984362 appears to be redundant with SCV002818198.

NM_001354768.3(NRL):c.339C>G (p.Tyr113Ter)

Gene: NRL (neural retina leucine zipper; minus strand). Cytogenetic location: 14q11.2.
Variant type: single nucleotide variant.
Coding change: c.339C>G on transcript NM_001354768.3 (MANE Select); coding-DNA position 339, C replaced by G.
Protein change: p.Tyr113Ter; replaces tyrosine 113 with a stop codon.
Molecular consequence: nonsense. On other transcripts: intron variant (1).
Genome position (GRCh38, 1-based): chr14:24,082,510, G>C on the plus strand (C>G on the coding strand, the complement: NRL is on the minus strand). VCF-style: chr14-24082510-G-C. GRCh37 (hg19) VCF-style: chr14-24551719-G-C.
Other names: c.339C>G, p.Tyr113Ter (NM_001354769.1, NM_006177.5); c.66+273C>G (NM_001354770.2); short protein forms Y113*.
Identifiers: ClinVar variation 623368 (VCV000623368.4), dbSNP rs1566560531, ClinGen allele CA389279547.